The following is an entry in ClinVar:

NM_030632.3(ASXL3):c.1377_1378del (p.Glu459fs)

Gene: ASXL3 (ASXL transcriptional regulator 3; plus strand). Cytogenetic location: 18q12.1.
Variant type: Microsatellite.
Coding change: c.1377_1378del on transcript NM_030632.3 (MANE Select); coding-DNA positions 1377 to 1378, 2 bases deleted (GA; older notation c.1377_1378delGA).
Protein change: p.Glu459fs; shifts the reading frame from glutamic acid 459.
Molecular consequence: frameshift variant.
Genome position (GRCh38, 1-based): chr18:33,738,781-33,738,782, GA deleted; deleting any 2 consecutive bases within chr18:33,738,778-33,738,782 gives the same sequence; the c. name uses the placement nearest the transcript's 3' end. VCF-style (leftmost placement, unchanged base first): chr18-33738777-TAG-T. GRCh37 (hg19) VCF-style: chr18-31318741-TAG-T.
Other names: c.1377_1378del (NM_030632.1); short protein forms E459fs.
Identifiers: ClinVar variation 2442230 (VCV002442230.2), dbSNP rs2510916449, ClinGen allele CA2580612973.

ClinVar aggregate classification (germline): Pathogenic/Likely pathogenic. Review status: criteria provided, multiple submitters, no conflicts (2 of 4 stars). 2 submissions from 2 submitters: Pathogenic (1); Likely pathogenic (1). Last evaluated 2023-04-25.

Conditions:
Bainbridge-Ropers syndrome. Also called: Severe feeding difficulties-failure to thrive-microcephaly due to ASXL3 deficiency syndrome. Identifiers: Orphanet 352577, MedGen C4750837, MONDO:0014205, OMIM 615485.

Submissions (2):

GeneDx
Classification: Pathogenic. Last evaluated: 2023-04-25. Review status: criteria provided, single submitter. Criteria: GeneDx Variant Classification Process June 2021. Collection method: clinical testing. Allele origin: germline. Affected: yes.
Comment: Frameshift variant predicted to result in protein truncation or nonsense mediated decay in a gene for which loss of function is a known mechanism of disease; Not observed at significant frequency in large population cohorts (gnomAD); This variant is associated with the following publications: (PMID: 35276034, 33242595)

Baylor Genetics
Classification: Likely pathogenic for Bainbridge-Ropers syndrome. Last evaluated: 2022-05-18. Review status: criteria provided, single submitter. Criteria: ACMG Guidelines, 2015. Collection method: clinical testing. Allele origin: unknown.